The following is an entry in ClinVar:

ClinVar aggregate classification (germline): Uncertain significance (1 of 4 stars; one submission).

Submission:

GeneDx
Classification: Uncertain significance. Last evaluated: 2024-07-22. Review status: criteria provided, single submitter. Criteria: GeneDx Variant Classification Process June 2021. Collection method: clinical testing. Allele origin: germline. Affected: yes.
Comment: Not observed at significant frequency in large population cohorts (gnomAD); In silico analysis supports that this missense variant has a deleterious effect on protein structure/function; Has not been previously published as pathogenic or benign to our knowledge

NM_001010867.4(IBA57):c.640G>C (p.Gly214Arg)

Gene: IBA57 (iron-sulfur cluster assembly factor IBA57; plus strand). Cytogenetic location: 1q42.13.
Variant type: single nucleotide variant.
Coding change: c.640G>C on transcript NM_001010867.4 (MANE Select); coding-DNA position 640, G replaced by C.
Protein change: p.Gly214Arg; replaces glycine 214 with arginine.
Molecular consequence: missense variant.
Genome position (GRCh38, 1-based): chr1:228,174,990, G>C. VCF-style: chr1-228174990-G-C. GRCh37 (hg19) VCF-style: chr1-228362691-G-C.
Other names: c.61G>C, p.Gly21Arg (NM_001310327.2); short protein forms G214R, G21R.
Identifiers: ClinVar variation 3600828 (VCV003600828.1).